The following is an entry in ClinVar:

ClinVar aggregate classification (germline): Uncertain significance. Review status: criteria provided, multiple submitters, no conflicts (2 of 4 stars). 2 submissions from 2 submitters: Uncertain significance (2). Last evaluated 2025-11-18.

Conditions:
Neuroblastoma, susceptibility to, 3. Also called: ALK-Related Neuroblastic Tumor Susceptibility. Identifiers: Orphanet 635, MedGen C2751681, MONDO:0013083, OMIM 613014.
Hereditary cancer-predisposing syndrome. Also called: Neoplastic Syndromes, Hereditary; Hereditary Cancer Syndrome; Hereditary neoplastic syndrome; Tumor predisposition. Identifiers: Orphanet 140162, MedGen C0027672, MeSH D009386, MONDO:0015356.

gnomAD v4.1: 1 of 1,613,992 alleles (0.000062%); highest among the groups gnomAD compares: Non-Finnish European, 0.000085%; no homozygotes.

Submissions (2):

Labcorp Genetics (formerly Invitae), Labcorp
Classification: Uncertain significance for Neuroblastoma, susceptibility to, 3. Last evaluated: 2025-11-18. Review status: criteria provided, single submitter. Criteria: Invitae Variant Classification Sherloc (09022015). Collection method: clinical testing. Allele origin: germline.
Comment: This sequence change replaces valine, which is neutral and non-polar, with phenylalanine, which is neutral and non-polar, at codon 1338 of the ALK protein (p.Val1338Phe). This variant is not present in population databases (gnomAD no frequency). This variant has not been reported in the literature in individuals affected with ALK-related conditions. ClinVar contains an entry for this variant (Variation ID: 644691). An algorithm developed to predict the effect of missense changes on protein structure and function (PolyPhen-2) suggests that this variant is likely to be disruptive. In summary, the available evidence is currently insufficient to determine the role of this variant in disease. Therefore, it has been classified as a Variant of Uncertain Significance.

Ambry Genetics
Classification: Uncertain significance for Hereditary cancer-predisposing syndrome. Last evaluated: 2024-03-17. Review status: criteria provided, single submitter. Criteria: Ambry Variant Classification Scheme 2023. Collection method: clinical testing. Allele origin: germline.
Comment: The p.V1338F variant (also known as c.4012G>T), located in coding exon 27 of the ALK gene, results from a G to T substitution at nucleotide position 4012. The valine at codon 1338 is replaced by phenylalanine, an amino acid with highly similar properties. This amino acid position is highly conserved in available vertebrate species. In addition, this alteration is predicted to be deleterious by in silico analysis. Since supporting evidence is limited at this time, the clinical significance of this alteration remains unclear.

NM_004304.5(ALK):c.4012G>T (p.Val1338Phe)

Gene: ALK (ALK receptor tyrosine kinase; minus strand). Cytogenetic location: 2p23.2.
Variant type: single nucleotide variant.
Coding change: c.4012G>T on transcript NM_004304.5 (MANE Select); coding-DNA position 4012, G replaced by T.
Protein change: p.Val1338Phe; replaces valine 1338 with phenylalanine.
Molecular consequence: missense variant.
Genome position (GRCh38, 1-based): chr2:29,197,603, C>A on the plus strand (G>T on the coding strand, the complement: ALK is on the minus strand). VCF-style: chr2-29197603-C-A. GRCh37 (hg19) VCF-style: chr2-29420469-C-A.
Other names: c.808G>T, p.Val270Phe (NM_001353765.2); short protein forms V270F, V1338F.
Identifiers: ClinVar variation 644691 (VCV000644691.16), dbSNP rs1573084680, ClinGen allele CA346466093.